The following is an entry in ClinVar:

NM_003079.5(SMARCE1):c.1226A>G (p.Lys409Arg)

Gene: SMARCE1 (SWI/SNF related BAF chromatin remodeling complex subunit E1; minus strand). Cytogenetic location: 17q21.2.
Variant type: single nucleotide variant.
Coding change: c.1226A>G on transcript NM_003079.5 (MANE Select); coding-DNA position 1226, A replaced by G.
Protein change: p.Lys409Arg; replaces lysine 409 with arginine.
Molecular consequence: missense variant.
Genome position (GRCh38, 1-based): chr17:40,628,795, T>C on the plus strand (A>G on the coding strand, the complement: SMARCE1 is on the minus strand). VCF-style: chr17-40628795-T-C. GRCh37 (hg19) VCF-style: chr17-38785047-T-C.
Other names: short protein forms K409R.
Identifiers: ClinVar variation 818642 (VCV000818642.14), dbSNP rs770346178, ClinGen allele CA8545042.

ClinVar aggregate classification (germline): Conflicting classifications of pathogenicity. Review status: criteria provided, conflicting classifications (1 of 4 stars). 2 submissions from 2 submitters: Uncertain significance (1); Likely benign (1). Last evaluated 2024-07-03.

Conditions:
Familial meningioma. Also called: Meningioma, familial, susceptibility to. Identifiers: Orphanet 263662, MedGen C3551915, MONDO:0011789, OMIM 607174.
Hereditary cancer-predisposing syndrome. Also called: Tumor predisposition; Hereditary neoplastic syndrome; Neoplastic Syndromes, Hereditary; Hereditary Cancer Syndrome. Identifiers: Orphanet 140162, MedGen C0027672, MeSH D009386, MONDO:0015356.

Allele frequency attached by ClinVar (database versions not stated): gnomAD exomes 0.00004 and 0.00003; ExAC 0.00004.
gnomAD v4.1: 15 of 1,612,754 alleles (0.00093%); highest among the groups gnomAD compares: South Asian, 0.016%; no homozygotes.

Submissions (2):

Labcorp Genetics (formerly Invitae), Labcorp
Classification: Uncertain significance for Familial meningioma. Last evaluated: 2024-07-03. Review status: criteria provided, single submitter. Criteria: Invitae Variant Classification Sherloc (09022015). Collection method: clinical testing. Allele origin: germline.
Comment: This sequence change replaces lysine, which is basic and polar, with arginine, which is basic and polar, at codon 409 of the SMARCE1 protein (p.Lys409Arg). This variant is present in population databases (rs770346178, gnomAD 0.03%). This variant has not been reported in the literature in individuals affected with SMARCE1-related conditions. ClinVar contains an entry for this variant (Variation ID: 818642). Experimental studies and prediction algorithms are not available or were not evaluated, and the functional significance of this variant is currently unknown. In summary, the available evidence is currently insufficient to determine the role of this variant in disease. Therefore, it has been classified as a Variant of Uncertain Significance.

Ambry Genetics
Classification: Likely benign for Hereditary cancer-predisposing syndrome. Last evaluated: 2022-03-28. Review status: criteria provided, single submitter. Criteria: Ambry Variant Classification Scheme 2023. Collection method: clinical testing. Allele origin: germline.